The following is an entry in ClinVar:

ClinVar aggregate classification (germline): Benign. Review status: criteria provided, multiple submitters, no conflicts (2 of 4 stars). 3 submissions from 3 submitters: Benign (3). Last evaluated 2026-03-01.

Allele frequency attached by ClinVar (database versions not stated): gnomAD exomes 0.00039 and 0.00115; ExAC 0.00143; gnomAD 0.00438 and 0.00451; TOPMed 0.00483; ESP Exome Variant Server 0.00546; 1000 Genomes Project 0.00579; 1000 Genomes Project 30x 0.00593.
gnomAD v4.1: 1,264 of 1,614,244 alleles (0.078%); highest among the groups gnomAD compares: African/African-American, 1.4%; 13 homozygotes.

Submissions (3):

CeGaT Center for Human Genetics Tuebingen
Classification: Benign. Last evaluated: 2026-03-01. Review status: criteria provided, single submitter. Criteria: CeGaT Center For Human Genetics Tuebingen Variant Classification Criteria Version 2. Collection method: clinical testing. Allele origin: germline. Affected: yes. Observed: 1 variant allele.
Comment: PIGC: BP4, BP7, BS1, BS2

Labcorp Genetics (formerly Invitae), Labcorp
Classification: Benign. Last evaluated: 2026-01-19. Review status: criteria provided, single submitter. Criteria: Invitae Variant Classification Sherloc (09022015). Collection method: clinical testing. Allele origin: germline.

Breakthrough Genomics
Classification: Benign. Review status: criteria provided, single submitter. Criteria: ACMG Guidelines, 2015. Collection method: not provided. Allele origin: germline. Inheritance: Autosomal recessive inheritance. Affected: yes.

NM_153747.2(PIGC):c.498T>C (p.Tyr166=)

Genes: C1orf105 (chromosome 1 open reading frame 105; plus strand), PIGC (phosphatidylinositol glycan anchor biosynthesis class C; minus strand). Cytogenetic location: 1q24.3.
Variant type: single nucleotide variant.
Coding change: c.498T>C on transcript NM_153747.2 (MANE Select); coding-DNA position 498, T replaced by C.
Protein change: p.Tyr166=; no amino-acid change (tyrosine 166 retained).
Molecular consequence: synonymous variant. On other transcripts: intron variant (1).
Genome position (GRCh38, 1-based): chr1:172,442,125, A>G on the plus strand (T>C on the coding strand, the complement: PIGC is on the minus strand). VCF-style: chr1-172442125-A-G. GRCh37 (hg19) VCF-style: chr1-172411265-A-G.
Other names: c.498T>C, p.Tyr166= (NM_002642.4); c.22-2948A>G (NM_139240.4).
Identifiers: ClinVar variation 767727 (VCV000767727.14), dbSNP rs138512059, ClinGen allele CA1245966.